The following is an entry in ClinVar:

ClinVar aggregate classification (germline): Conflicting classifications of pathogenicity. Review status: criteria provided, conflicting classifications (1 of 4 stars). 2 submissions from 2 submitters: Uncertain significance (1); Likely benign (1). Last evaluated 2025-07-29.

Conditions:
Hereditary cancer-predisposing syndrome. Also called: Neoplastic Syndromes, Hereditary; Tumor predisposition; Hereditary Cancer Syndrome; Hereditary neoplastic syndrome. Identifiers: Orphanet 140162, MedGen C0027672, MeSH D009386, MONDO:0015356.
DICER1-related tumor predisposition. Also called: DICER1-related pleuropulmonary blastoma cancer predisposition syndrome; DICER1 syndrome. Identifiers: Orphanet 284343, MedGen C3839822, MONDO:0100216.

Submissions (2):

Ambry Genetics
Classification: Likely benign for Hereditary cancer-predisposing syndrome. Last evaluated: 2025-07-29. Review status: criteria provided, single submitter. Criteria: Ambry Variant Classification Scheme 2023. Collection method: clinical testing. Allele origin: germline.

Labcorp Genetics (formerly Invitae), Labcorp
Classification: Uncertain significance for DICER1-related tumor predisposition. Last evaluated: 2021-12-24. Review status: criteria provided, single submitter. Criteria: Invitae Variant Classification Sherloc (09022015). Collection method: clinical testing. Allele origin: germline.
Comment: This sequence change replaces aspartic acid, which is acidic and polar, with glutamic acid, which is acidic and polar, at codon 873 of the DICER1 protein (p.Asp873Glu). This variant is not present in population databases (gnomAD no frequency). This variant has not been reported in the literature in individuals affected with DICER1-related conditions. ClinVar contains an entry for this variant (Variation ID: 565585). Algorithms developed to predict the effect of missense changes on protein structure and function output the following: SIFT: "Tolerated"; PolyPhen-2: "Benign"; Align-GVGD: "Class C0". The glutamic acid amino acid residue is found in multiple mammalian species, which suggests that this missense change does not adversely affect protein function. In summary, the available evidence is currently insufficient to determine the role of this variant in disease. Therefore, it has been classified as a Variant of Uncertain Significance.

NM_177438.3(DICER1):c.2619T>G (p.Asp873Glu)

Gene: DICER1 (dicer 1, ribonuclease III; minus strand). Cytogenetic location: 14q32.13.
Variant type: single nucleotide variant.
Coding change: c.2619T>G on transcript NM_177438.3 (MANE Select); coding-DNA position 2619, T replaced by G.
Protein change: p.Asp873Glu; replaces aspartic acid 873 with glutamic acid.
Molecular consequence: missense variant.
Genome position (GRCh38, 1-based): chr14:95,107,911, A>C on the plus strand (T>G on the coding strand, the complement: DICER1 is on the minus strand). VCF-style: chr14-95107911-A-C. GRCh37 (hg19) VCF-style: chr14-95574248-A-C.
Other names: c.2619T>G, p.Asp873Glu (NM_001195573.1, NM_001271282.3, NM_001291628.2 and 1 more transcripts); short protein forms D873E.
Identifiers: ClinVar variation 565585 (VCV000565585.15), dbSNP rs890402869, ClinGen allele CA265909368.